The following is an entry in ClinVar:

ClinVar aggregate classification (germline): Uncertain significance (1 of 4 stars; one submission).

Conditions:
Tietz syndrome (TADS). Also called: HYPOPIGMENTATION/DEAFNESS OF TIETZ; TIETZ ALBINISM-DEAFNESS SYNDROME; ALBINISM-DEAFNESS OF TIETZ. Identifiers: Orphanet 42665, MedGen C0391816, MONDO:0007077, OMIM 103500.
Waardenburg syndrome type 2A (WS2A). Also called: WAARDENBURG SYNDROME WITHOUT DYSTOPIA CANTHORUM. Identifiers: Orphanet 3440, MedGen C1860339, MONDO:0008671, OMIM 193510.
Melanoma, cutaneous malignant, susceptibility to, 8. Also called: MELANOMA AND RENAL CELL CARCINOMA, SUSCEPTIBILITY TO; Cutaneous malignant melanoma 8. Identifiers: Orphanet 293822, MedGen C3152204, MONDO:0013759, OMIM 614456.

gnomAD v4.1: 2 of 1,611,800 alleles (0.00012%); highest among the groups gnomAD compares: African/African-American, 0.0013%; no homozygotes.

Submission:

Labcorp Genetics (formerly Invitae), Labcorp
Classification: Uncertain significance for Melanoma, cutaneous malignant, susceptibility to, 8; Waardenburg syndrome type 2A; Tietz syndrome. Last evaluated: 2024-10-27. Review status: criteria provided, single submitter. Criteria: Invitae Variant Classification Sherloc (09022015). Collection method: clinical testing. Allele origin: germline.
Comment: This sequence change replaces alanine, which is neutral and non-polar, with valine, which is neutral and non-polar, at codon 141 of the MITF protein (p.Ala141Val). This variant is not present in population databases (gnomAD no frequency). This variant has not been reported in the literature in individuals affected with MITF-related conditions. Invitae Evidence Modeling of protein sequence and biophysical properties (such as structural, functional, and spatial information, amino acid conservation, physicochemical variation, residue mobility, and thermodynamic stability) indicates that this missense variant is not expected to disrupt MITF protein function with a negative predictive value of 80%. In summary, the available evidence is currently insufficient to determine the role of this variant in disease. Therefore, it has been classified as a Variant of Uncertain Significance.

NM_001354604.2(MITF):c.743C>T (p.Ala248Val)

Gene: MITF (melanocyte inducing transcription factor; plus strand). Cytogenetic location: 3p13.
Variant type: single nucleotide variant.
Coding change: c.743C>T on transcript NM_001354604.2 (MANE Select); coding-DNA position 743, C replaced by T.
Protein change: p.Ala248Val; replaces alanine 248 with valine.
Molecular consequence: missense variant.
Genome position (GRCh38, 1-based): chr3:69,941,312, C>T. VCF-style: chr3-69941312-C-T. GRCh37 (hg19) VCF-style: chr3-69990463-C-T.
Other names: c.422C>T, p.Ala141Val (NM_000248.4, NM_198158.3); c.587C>T, p.Ala196Val (NM_001184967.2, NM_001354608.2); c.740C>T, p.Ala247Val (NM_001354605.2, NM_001354606.2, NM_006722.3); c.692C>T, p.Ala231Val (NM_001354607.2); c.743C>T, p.Ala248Val (NM_198159.3); c.695C>T, p.Ala232Val (NM_198177.3); c.254C>T, p.Ala85Val (NM_198178.3); short protein forms A141V, A196V, A231V, A232V, A247V, A248V, A85V.
Identifiers: ClinVar variation 3749874 (VCV003749874.2).